The following is an entry in ClinVar:

NM_000059.4(BRCA2):c.3534C>A (p.Ser1178Arg)

Gene: BRCA2 (BRCA2 DNA repair associated; plus strand). Cytogenetic location: 13q13.1.
Variant type: single nucleotide variant.
Coding change: c.3534C>A on transcript NM_000059.4 (MANE Select); coding-DNA position 3534, C replaced by A.
Protein change: p.Ser1178Arg; replaces serine 1178 with arginine.
Molecular consequence: missense variant. On other transcripts: non-coding transcript variant (1), intron variant (2).
Genome position (GRCh38, 1-based): chr13:32,337,889, C>A. VCF-style: chr13-32337889-C-A. GRCh37 (hg19) VCF-style: chr13-32912026-C-A.
Other names: c.3534C>A, p.Ser1178Arg (NM_001406719.1, NM_001406720.1, NM_001432077.1); c.1909+4502C>A (NM_001406721.1); c.425-6669C>A (NM_001406722.1); short protein forms S1178R.
Identifiers: ClinVar variation 3636460 (VCV003636460.2).

ClinVar aggregate classification (germline): Uncertain significance (1 of 4 stars; one submission).

Conditions:
Hereditary breast ovarian cancer syndrome. Also called: Hereditary breast and ovarian cancer syndrome; Hereditary breast and ovarian cancer syndrome (HBOC); BRCA1- and BRCA2-Associated Hereditary Breast and Ovarian Cancer; Hereditary breast and ovarian cancer; Breast and ovarian cancer; Hereditary breast and/or ovarian cancer syndrome. Identifiers: Orphanet 145, MedGen C0677776, MeSH D061325, MONDO:0003582. Disease mechanism: loss of function.

Submission:

Labcorp Genetics (formerly Invitae), Labcorp
Classification: Uncertain significance for Hereditary breast ovarian cancer syndrome. Last evaluated: 2024-08-11. Review status: criteria provided, single submitter. Criteria: Invitae Variant Classification Sherloc (09022015). Collection method: clinical testing. Allele origin: germline.
Comment: This sequence change replaces serine, which is neutral and polar, with arginine, which is basic and polar, at codon 1178 of the BRCA2 protein (p.Ser1178Arg). This variant is not present in population databases (gnomAD no frequency). This variant has not been reported in the literature in individuals affected with BRCA2-related conditions. Advanced modeling of protein sequence and biophysical properties (such as structural, functional, and spatial information, amino acid conservation, physicochemical variation, residue mobility, and thermodynamic stability) performed at Invitae indicates that this missense variant is not expected to disrupt BRCA2 protein function with a negative predictive value of 95%. In summary, the available evidence is currently insufficient to determine the role of this variant in disease. Therefore, it has been classified as a Variant of Uncertain Significance.